The following is an entry in ClinVar:

NM_000393.5(COL5A2):c.4189G>A (p.Ala1397Thr)

Gene: COL5A2 (collagen type V alpha 2 chain; minus strand). Cytogenetic location: 2q32.2.
Variant type: single nucleotide variant.
Coding change: c.4189G>A on transcript NM_000393.5 (MANE Select); coding-DNA position 4189, G replaced by A.
Protein change: p.Ala1397Thr; replaces alanine 1397 with threonine.
Molecular consequence: missense variant.
Genome position (GRCh38, 1-based): chr2:189,035,080, C>T on the plus strand (G>A on the coding strand, the complement: COL5A2 is on the minus strand). VCF-style: chr2-189035080-C-T. GRCh37 (hg19) VCF-style: chr2-189899806-C-T.
Other names: short protein forms A1397T.
Identifiers: ClinVar variation 2795209 (VCV002795209.3), dbSNP rs2469209654, ClinGen allele CA349855146.
Genomic context (GRCh38, chr2:189,035,080, plus strand): 5'-TAGCTTGATCGTCCATGTATCCTACACTGTTTTTACAGATGTAAGTGATGTTCTGGGAGG[C>T]TTCTTTTGATAAAAGGCGCAAAAAAGTCATCTGAGTAATGGCTGTATTAGGTGATTGGTG-3'
Protein context (NP_000384.2, residues 1387-1407): MTFLRLLSKE[Ala1397Thr]SQNITYICKN

ClinVar aggregate classification (germline): Uncertain significance (1 of 4 stars; one submission).

Conditions:
Ehlers-Danlos syndrome, classic type, 1 (EDSCL1). Also called: EHLERS-DANLOS SYNDROME, GRAVIS TYPE; EHLERS-DANLOS SYNDROME, SEVERE CLASSIC TYPE; Ehlers-Danlos syndrome, type 1; Ehlers-Danlos Syndrome, Classic Type, COL5A1-Related; EDS I. Identifiers: MedGen C0268335, MONDO:0019567, OMIM 130000.

Allele frequency attached by ClinVar (database versions not stated): gnomAD exomes below 0.00001.
gnomAD v4.1: 4 of 1,613,852 alleles (0.00025%); highest among the groups gnomAD compares: Non-Finnish European, 0.00034%; no homozygotes.

Submission:

Labcorp Genetics (formerly Invitae), Labcorp
Classification: Uncertain significance for Ehlers-Danlos syndrome, classic type, 1. Last evaluated: 2024-01-01. Review status: criteria provided, single submitter. Criteria: Invitae Variant Classification Sherloc (09022015). Collection method: clinical testing. Allele origin: germline.
Comment: This sequence change replaces alanine, which is neutral and non-polar, with threonine, which is neutral and polar, at codon 1397 of the COL5A2 protein (p.Ala1397Thr). This variant is not present in population databases (gnomAD no frequency). This variant has not been reported in the literature in individuals affected with COL5A2-related conditions. Advanced modeling of protein sequence and biophysical properties (such as structural, functional, and spatial information, amino acid conservation, physicochemical variation, residue mobility, and thermodynamic stability) has been performed at Invitae for this missense variant, however the output from this modeling did not meet the statistical confidence thresholds required to predict the impact of this variant on COL5A2 protein function. In summary, the available evidence is currently insufficient to determine the role of this variant in disease. Therefore, it has been classified as a Variant of Uncertain Significance.